The following is an entry in ClinVar:

NM_001042492.3(NF1):c.7793T>G (p.Val2598Gly)

Gene: NF1 (neurofibromin 1; plus strand). Cytogenetic location: 17q11.2.
Variant type: single nucleotide variant.
Coding change: c.7793T>G on transcript NM_001042492.3 (MANE Select); coding-DNA position 7793, T replaced by G.
Protein change: p.Val2598Gly; replaces valine 2598 with glycine.
Molecular consequence: missense variant.
Genome position (GRCh38, 1-based): chr17:31,357,014, T>G. VCF-style: chr17-31357014-T-G. GRCh37 (hg19) VCF-style: chr17-29684032-T-G.
Other names: c.7730T>G, p.Val2577Gly (NM_000267.4); short protein forms V2577G, V2598G.
Identifiers: ClinVar variation 4798359 (VCV004798359.1).

ClinVar aggregate classification (germline): Uncertain significance (1 of 4 stars; one submission).

Conditions:
Neurofibromatosis, type 1 (NF1). Also called: VON RECKLINGHAUSEN DISEASE; Neurofibromatosis, type I; NEUROFIBROMATOSIS, TYPE I, SOMATIC; Peripheral type neurofibromatosis. Identifiers: Orphanet 636, MedGen C0027831, MONDO:0018975, OMIM 162200. Disease mechanism: loss of function.

Submission:

Labcorp Genetics (formerly Invitae), Labcorp
Classification: Uncertain significance for Neurofibromatosis, type 1. Last evaluated: 2025-02-09. Review status: criteria provided, single submitter. Criteria: Invitae Variant Classification Sherloc (09022015). Collection method: clinical testing. Allele origin: germline.
Comment: This sequence change replaces valine, which is neutral and non-polar, with glycine, which is neutral and non-polar, at codon 2577 of the NF1 protein (p.Val2577Gly). This variant is not present in population databases (gnomAD no frequency). This variant has not been reported in the literature in individuals affected with NF1-related conditions. Invitae Evidence Modeling of protein sequence and biophysical properties (such as structural, functional, and spatial information, amino acid conservation, physicochemical variation, residue mobility, and thermodynamic stability) has been performed for this missense variant. However, the output from this modeling did not meet the statistical confidence thresholds required to predict the impact of this variant on NF1 protein function. In summary, the available evidence is currently insufficient to determine the role of this variant in disease. Therefore, it has been classified as a Variant of Uncertain Significance.